The following is an entry in ClinVar:

NM_001164586.2(IGFN1):c.5013G>A (p.Glu1671=)

Gene: IGFN1 (immunoglobulin like and fibronectin type III domain containing 1; plus strand). Cytogenetic location: 1q32.1.
Variant type: single nucleotide variant.
Coding change: c.5013G>A on transcript NM_001164586.2 (MANE Select); coding-DNA position 5013, G replaced by A.
Protein change: p.Glu1671=; no amino-acid change (glutamic acid 1671 retained).
Molecular consequence: synonymous variant. On other transcripts: intron variant (1).
Genome position (GRCh38, 1-based): chr1:201,209,906, G>A. VCF-style: chr1-201209906-G-A. GRCh37 (hg19) VCF-style: chr1-201179034-G-A.
Other names: c.1242-3600G>A (NM_001367841.1).
Identifiers: ClinVar variation 3898292 (VCV003898292.7).

ClinVar aggregate classification (germline): Likely benign (1 of 4 stars; one submission).

Submission:

CeGaT Center for Human Genetics Tuebingen
Classification: Likely benign. Last evaluated: 2026-06-01. Review status: criteria provided, single submitter. Criteria: CeGaT Center For Human Genetics Tuebingen Variant Classification Criteria Version 2. Collection method: clinical testing. Allele origin: germline. Affected: yes. Observed: 5 variant alleles.
Comment: IGFN1: BP4, BP7